The following is an entry in ClinVar:

ClinVar aggregate classification (germline): Uncertain significance (1 of 4 stars; one submission).

Conditions:
Neuropathy, hereditary sensory and autonomic, type 2A (HSAN2A). Also called: ACROOSTEOLYSIS, GIACCAI TYPE; ACROOSTEOLYSIS, NEUROGENIC; WNK1-Related HSAN2 (HSAN2A); MORVAN DISEASE; NEUROPATHY, CONGENITAL SENSORY; NEUROPATHY, HEREDITARY SENSORY RADICULAR, AUTOSOMAL RECESSIVE. Identifiers: Orphanet 970, MedGen C2752089, MONDO:0024309, OMIM 201300.
Generalized epilepsy with febrile seizures plus, type 7 (GEFSP7). Also called: GEFS+, TYPE 7. Identifiers: Orphanet 36387, MedGen C2751778, MONDO:0013470, OMIM 613863.

Allele frequency attached by ClinVar (database versions not stated): gnomAD exomes below 0.00001; TOPMed below 0.00001.
gnomAD v4.1: 1 of 1,563,766 alleles (0.000064%); highest among the groups gnomAD compares: Non-Finnish European, 0.000086%; no homozygotes.

Submission:

Labcorp Genetics (formerly Invitae), Labcorp
Classification: Uncertain significance for Neuropathy, hereditary sensory and autonomic, type 2A; Generalized epilepsy with febrile seizures plus, type 7. Last evaluated: 2026-01-21. Review status: criteria provided, single submitter. Criteria: Invitae Variant Classification Sherloc (09022015). Collection method: clinical testing. Allele origin: germline.
Comment: This sequence change replaces alanine, which is neutral and non-polar, with threonine, which is neutral and polar, at codon 1289 of the SCN9A protein (p.Ala1289Thr). This variant is not present in population databases (gnomAD no frequency). This variant has not been reported in the literature in individuals affected with SCN9A-related conditions. ClinVar contains an entry for this variant (Variation ID: 2928730). Invitae Evidence Modeling of protein sequence and biophysical properties (such as structural, functional, and spatial information, amino acid conservation, physicochemical variation, residue mobility, and thermodynamic stability) indicates that this missense variant is not expected to disrupt SCN9A protein function with a negative predictive value of 80%. In summary, the available evidence is currently insufficient to determine the role of this variant in disease. Therefore, it has been classified as a Variant of Uncertain Significance.

NM_001365536.1(SCN9A):c.3898G>A (p.Ala1300Thr)

Genes: SCN1A-AS1 (SCN1A and SCN9A antisense RNA 1; plus strand), SCN9A (sodium voltage-gated channel alpha subunit 9; minus strand). Cytogenetic location: 2q24.3.
Variant type: single nucleotide variant.
Coding change: c.3898G>A on transcript NM_001365536.1 (MANE Select); coding-DNA position 3898, G replaced by A.
Protein change: p.Ala1300Thr; replaces alanine 1300 with threonine.
Molecular consequence: missense variant.
Genome position (GRCh38, 1-based): chr2:166,233,366, C>T on the plus strand (G>A on the coding strand, the complement: SCN9A is on the minus strand). VCF-style: chr2-166233366-C-T. GRCh37 (hg19) VCF-style: chr2-167089876-C-T.
Other names: c.3865G>A, p.Ala1289Thr (NM_002977.4); short protein forms A1289T, A1300T.
Identifiers: ClinVar variation 2928730 (VCV002928730.3), dbSNP rs1695179389, ClinGen allele CA349066388.